The following is an entry in ClinVar:

ClinVar aggregate classification (germline): Conflicting classifications of pathogenicity. Review status: criteria provided, conflicting classifications (1 of 4 stars). 17 submissions from 17 submitters: Uncertain significance (6); Likely benign (9). 2 of the submissions do not count toward it. Last evaluated 2026-09-01.

Conditions:
BRCA2-related disorder. Also called: BRCA2-related condition; BRCA2-related disorders. Identifiers: MedGen CN239275.
Hereditary cancer-predisposing syndrome. Also called: Neoplastic Syndromes, Hereditary; Tumor predisposition; Hereditary Cancer Syndrome; Hereditary neoplastic syndrome. Identifiers: Orphanet 140162, MedGen C0027672, MeSH D009386, MONDO:0015356.
Breast and/or ovarian cancer. Identifiers: MedGen CN221562.
Hereditary breast ovarian cancer syndrome. Also called: Hereditary breast and/or ovarian cancer syndrome; Hereditary breast and ovarian cancer syndrome; Hereditary breast and ovarian cancer; Hereditary breast and ovarian cancer syndrome (HBOC); Breast and ovarian cancer; BRCA1- and BRCA2-Associated Hereditary Breast and Ovarian Cancer. Identifiers: Orphanet 145, MedGen C0677776, MeSH D061325, MONDO:0003582. Disease mechanism: loss of function.
Breast-ovarian cancer, familial, susceptibility to, 2 (BROVCA2). Also called: BRCA2 Hereditary Breast and Ovarian Cancer. Identifiers: Orphanet 145, MedGen C2675520, MONDO:0012933, OMIM 612555. Disease mechanism: loss of function.

Allele frequency attached by ClinVar (database versions not stated): ESP Exome Variant Server 0.00008; gnomAD 0.00001 and 0.00002; gnomAD exomes 0.00002; TOPMed 0.00002; ExAC 0.00003.
gnomAD v4.1: 26 of 1,601,114 alleles (0.0016%); highest among the groups gnomAD compares: Middle Eastern, 0.083%; no homozygotes.

Submissions 1 to 12 of 17:

CeGaT Center for Human Genetics Tuebingen
Classification: Uncertain significance. Last evaluated: 2026-09-01. Review status: criteria provided, single submitter. Criteria: CeGaT Center For Human Genetics Tuebingen Variant Classification Criteria Version 2. Collection method: clinical testing. Allele origin: germline. Affected: yes. Observed: 1 variant allele.
Comment: BRCA2: PM2, BP1, BP4

Dasa
Classification: Likely benign for Breast-ovarian cancer, familial, susceptibility to, 2. Last evaluated: 2026-02-25. Review status: criteria provided, single submitter. Criteria: DASA Assertion Criteria. Collection method: clinical testing. Allele origin: germline.
Comment: NM_000059.4(BRCA2):c.800G>A (p.Gly267Glu) is a missense variant that results in the substitution of glycine with glutamic acid. Population frequency is inconsistent with a disease-causing role for this variant, and the variant context is inconsistent with a known disease-causing mechanism. Therefore, based on the currently available evidence, this variant is classified as likely benign.

PreventionGenetics, part of Exact Sciences
Classification: Likely benign for BRCA2-related condition. Last evaluated: 2026-01-28. Review status: criteria provided, single submitter. Criteria: ACMG Guidelines, 2015. Collection method: clinical testing. Allele origin: germline.
Comment: This variant is classified as likely benign based on ACMG/AMP sequence variant interpretation guidelines (Richards et al. 2015 PMID: 25741868, with internal and published modifications).

Labcorp Genetics (formerly Invitae), Labcorp
Classification: Likely benign for Hereditary breast ovarian cancer syndrome. Last evaluated: 2026-01-02. Review status: criteria provided, single submitter. Criteria: Invitae Variant Classification Sherloc (09022015). Collection method: clinical testing. Allele origin: germline.

Women's Health and Genetics/Laboratory Corporation of America, LabCorp
Classification: Likely benign. Last evaluated: 2025-07-30. Review status: criteria provided, single submitter. Criteria: LabCorp Variant Classification Summary - May 2015. Collection method: clinical testing. Allele origin: germline.
Comment: Variant summary: BRCA2 c.800G>A (p.Gly267Glu) results in a non-conservative amino acid change in the encoded protein sequence. Algorithms developed to predict the effect of missense changes on protein structure and function are either unavailable or do not agree on the potential impact of this missense change. The variant allele was found at a frequency of 2.5e-05 in 243540 control chromosomes. The available data on variant occurrences in the general population are insufficient to allow any conclusion about variant significance.The variant, c.800G>A, has been listed to be found in an individual affected with Fanconi anemia, however no further details were provided on this case (Nicchia_2015), in addition, the variant was also reported as a VUS in settings of multigene panel testing among individuals affected with breast/ovarian cancer (e.g. Davies_2018, Loizidou_2017, Joharah Alhuqail_2018, Kowalik_2018, Machakova_2019, Santonocito_2020, Abdel-Rezeq_2022, Bhai_2021), however it was also found in controls (e.g. it was found in 1/7325 European American women, who are older than age 70 years, and who have never had cancer in the FLOSSIES database). In addition, at-least one co-occurrence with another pathogenic variant has been reported in the UMD database (BRCA2 c.7235insG, p.Thr2412SerfsX2), providing supporting evidence for a benign role. To our knowledge, no peer-reviewed publications report experimental evidence evaluating an impact on protein function. The following publications have been ascertained in the context of this evaluation (PMID: 35402282, 34326862, 31294896, 28288110, 33471991, 24121792, 29297111, 30040829, 27882536, 31409081, 25348012, 26740942, 31112341, 31131967, 32438681 ClinVar contains an entry for this variant (Variation ID: 52472). Based on the evidence outlined above, the variant was classified as likely benign.

Quest Diagnostics Nichols Institute San Juan Capistrano
Classification: Uncertain significance. Last evaluated: 2025-03-26. Review status: criteria provided, single submitter. Criteria: Quest Diagnostics criteria. Collection method: clinical testing. Allele origin: unknown.
Comment: The BRCA2 c.800G>A (p.Gly267Glu) variant has been reported in the published literature in individuals with breast cancer (PMID: 27882536 (2016), 28288110 (2017), 34326862 (2021), 33471991 (2021), 35402282 (2022), see also LOVD) and ovarian cancer (PMID: 30040829 (2018), 33471991 (2020)). This variant has also been identified in reportedly healthy individuals and located in a region of the BRCA2 gene that is tolerant to missense sequence changes (PMID: 31911673 (2020)). The frequency of this variant in the general population (Genome Aggregation Database) is uninformative in the assessment of its pathogenicity. Analysis of this variant using bioinformatics tools for the prediction of the effect of amino acid changes on protein structure and function yielded predictions that this variant is benign. Based on the available information, we are unable to determine the clinical significance of this variant.

Center for Genomic Medicine, Rigshospitalet, Copenhagen University Hospital
Classification: Likely benign. Last evaluated: 2025-03-04. Review status: criteria provided, single submitter. Criteria: ACMG Guidelines, 2015. Collection method: clinical testing. Allele origin: germline.

Revvity Omics, Revvity
Classification: Uncertain significance. Last evaluated: 2023-12-18. Review status: criteria provided, single submitter. Criteria: ACMG Guidelines, 2015. Collection method: clinical testing. Allele origin: germline.

University of Washington Department of Laboratory Medicine, University of Washington
Classification: Likely benign for Hereditary cancer-predisposing syndrome. Last evaluated: 2023-03-23. Review status: criteria provided, single submitter. Criteria: Dines et al. (Genet Med. 2020). Collection method: curation. Allele origin: germline.
Comment: Missense variant in a coldspot region where missense variants are very unlikely to be pathogenic (PMID:31911673).

BRCA2 exon 10 coldspot. Reclassification based on statistical prior probability.

CHEO Genetics Diagnostic Laboratory, Children's Hospital of Eastern Ontario
Classification: Uncertain significance for Breast and/or ovarian cancer. Last evaluated: 2022-08-16. Review status: criteria provided, single submitter. Criteria: ACMG Guidelines, 2015. Collection method: clinical testing. Allele origin: germline.

Sema4
Classification: Uncertain significance for Hereditary cancer-predisposing syndrome. Last evaluated: 2021-11-22. Review status: criteria provided, single submitter. Criteria: Sema4 Curation Guidelines. Collection method: curation. Allele origin: germline.
Comment: The BRCA2 c.800G>A (p.G267E) variant has been reported in heterozygosity in at least five individuals with hereditary breast and/or ovarian cancer and in at least one individual with Fanconi anemia (PMID: 29297111, 27882536, 32438681, 30040829, 26740942; DOI 10.1515/tjb-2019-0424). It was observed in 6/111498 chromosomes of the Non-Finnish European subpopulation in the large and broad cohorts of the Genome Aggregation Database (PMID: 32461654). The variant has been reported in ClinVar (Variation ID: 52472). Functional studies have not been performed, and in silico predictions of the variant's effect on protein function are inconclusive. The evidence is insufficient to meet ACMG/AMP criteria for classifying the variant as benign or pathogenic. Thus, the clinical significance of this variant is currently uncertain.

GeneDx
Classification: Likely benign. Last evaluated: 2021-04-29. Review status: criteria provided, single submitter. Criteria: GeneDx Variant Classification Process June 2021. Collection method: clinical testing. Allele origin: germline. Affected: yes.
Comment: In silico analysis, which includes protein predictors and evolutionary conservation, supports that this variant does not alter protein structure/function; This variant is associated with the following publications: (PMID: 24121792, 25348012, 27882536, 26740942, 29297111, 28288110, 30212499, 31294896, 31131967, 32438681, 31112341, 30040829)

NM_000059.4(BRCA2):c.800G>A (p.Gly267Glu)

Gene: BRCA2 (BRCA2 DNA repair associated; plus strand). Cytogenetic location: 13q13.1.
Variant type: single nucleotide variant.
Coding change: c.800G>A on transcript NM_000059.4 (MANE Select); coding-DNA position 800, G replaced by A.
Protein change: p.Gly267Glu; replaces glycine 267 with glutamic acid.
Molecular consequence: missense variant.
Genome position (GRCh38, 1-based): chr13:32,332,278, G>A. VCF-style: chr13-32332278-G-A. GRCh37 (hg19) VCF-style: chr13-32906415-G-A.
Other names: short protein forms G267E.
Identifiers: ClinVar variation 52472 (VCV000052472.44), dbSNP rs80359036, ClinGen allele CA025402.